The following is an entry in ClinVar:

ClinVar aggregate classification (germline): Uncertain significance (1 of 4 stars; one submission).

Conditions:
Hypokalemic periodic paralysis, type 1. Also called: Hypokalemic Periodic Paralysis Type 1 (AD); HypoPP. Identifiers: Orphanet 681, MedGen C3714580, MONDO:0042979, OMIM 170400.
Malignant hyperthermia, susceptibility to, 5 (MHS5). Also called: CACNA1S-Related Malignant Hyperthermia Susceptibility. Identifiers: Orphanet 423, MedGen C1866077, MONDO:0011163, OMIM 601887.

gnomAD v4.1: 1 of 1,614,088 alleles (0.000062%); highest among the groups gnomAD compares: Non-Finnish European, 0.000085%; no homozygotes.

Submission:

Labcorp Genetics (formerly Invitae), Labcorp
Classification: Uncertain significance for Hypokalemic periodic paralysis, type 1; Malignant hyperthermia, susceptibility to, 5. Last evaluated: 2020-10-05. Review status: criteria provided, single submitter. Criteria: Invitae Variant Classification Sherloc (09022015). Collection method: clinical testing. Allele origin: germline.
Comment: This sequence change replaces alanine with serine at codon 1378 of the CACNA1S protein (p.Ala1378Ser). The alanine residue is highly conserved and there is a moderate physicochemical difference between alanine and serine. This variant is not present in population databases (ExAC no frequency). This variant has not been reported in the literature in individuals with CACNA1S-related conditions. Advanced modeling of protein sequence and biophysical properties (such as structural, functional, and spatial information, amino acid conservation, physicochemical variation, residue mobility, and thermodynamic stability) performed at Invitae indicates that this missense variant is expected to disrupt CACNA1S protein function. In summary, the available evidence is currently insufficient to determine the role of this variant in disease. Therefore, it has been classified as a Variant of Uncertain Significance.

NM_000069.3(CACNA1S):c.4132G>T (p.Ala1378Ser)

Gene: CACNA1S (calcium voltage-gated channel subunit alpha1 S; minus strand). Cytogenetic location: 1q32.1.
Variant type: single nucleotide variant.
Coding change: c.4132G>T on transcript NM_000069.3 (MANE Select); coding-DNA position 4132, G replaced by T.
Protein change: p.Ala1378Ser; replaces alanine 1378 with serine.
Molecular consequence: missense variant.
Genome position (GRCh38, 1-based): chr1:201,050,498, C>A on the plus strand (G>T on the coding strand, the complement: CACNA1S is on the minus strand). VCF-style: chr1-201050498-C-A. GRCh37 (hg19) VCF-style: chr1-201019626-C-A.
Other names: short protein forms A1378S.
Identifiers: ClinVar variation 999566 (VCV000999566.9), dbSNP rs1272205273, ClinGen allele CA344148925.